The following is an entry in ClinVar:

NM_015175.3(NBEAL2):c.402G>A (p.Val134=)

Gene: NBEAL2 (neurobeachin like 2; plus strand). Cytogenetic location: 3p21.31.
Variant type: single nucleotide variant.
Coding change: c.402G>A on transcript NM_015175.3 (MANE Select); coding-DNA position 402, G replaced by A.
Protein change: p.Val134=; no amino-acid change (valine 134 retained).
Molecular consequence: synonymous variant.
Genome position (GRCh38, 1-based): chr3:46,989,310, G>A. VCF-style: chr3-46989310-G-A. GRCh37 (hg19) VCF-style: chr3-47030800-G-A.
Other names: c.381G>A, p.Val127= (NM_001365116.2).
Identifiers: ClinVar variation 3057432 (VCV003057432.2), dbSNP rs375491925, ClinGen allele CA2360096.

ClinVar aggregate classification (germline): Likely benign (0 of 4 stars; one submission).

Conditions:
NBEAL2-related disorder. Also called: NBEAL2-related condition.

Allele frequency attached by ClinVar (database versions not stated): ExAC 0.00003; gnomAD 0.00007; ESP Exome Variant Server 0.00008; TOPMed 0.00009.
gnomAD v4.1: 20 of 1,604,194 alleles (0.0012%); highest among the groups gnomAD compares: African/African-American, 0.025%; no homozygotes.

Submission:

PreventionGenetics, part of Exact Sciences
Classification: Likely benign for NBEAL2-related condition. Last evaluated: 2019-03-22. Review status: no assertion criteria provided. Collection method: clinical testing. Allele origin: germline.
Comment: This variant is classified as likely benign based on ACMG/AMP sequence variant interpretation guidelines (Richards et al. 2015 PMID: 25741868, with internal and published modifications).